The following is an entry in ClinVar:

NM_004715.5(CTDP1):c.2735G>A (p.Gly912Asp)

Gene: CTDP1 (CTD phosphatase subunit 1; plus strand). Cytogenetic location: 18q23.
Variant type: single nucleotide variant.
Coding change: c.2735G>A on transcript NM_004715.5 (MANE Select); coding-DNA position 2735, G replaced by A.
Protein change: p.Gly912Asp; replaces glycine 912 with aspartic acid.
Molecular consequence: missense variant. On other transcripts: intron variant (1).
Genome position (GRCh38, 1-based): chr18:79,736,509, G>A. VCF-style: chr18-79736509-G-A. GRCh37 (hg19) VCF-style: chr18-77496509-G-A.
Other names: p.Gly912Asp; c.2378G>A, p.Gly793Asp (NM_001202504.1); c.2572G>A, p.Ala858Thr (NM_048368.4); c.2580+7440G>A (NM_001318511.2); short protein forms A858T, G793D, G912D.
Identifiers: ClinVar variation 3380551 (VCV003380551.1).

ClinVar aggregate classification (germline): Uncertain significance (1 of 4 stars; one submission).

gnomAD v4.1: 2 of 1,544,914 alleles (0.00013%); highest among the groups gnomAD compares: Non-Finnish European, 0.000087%; no homozygotes.

Submission:

Mayo Clinic Laboratories, Mayo Clinic
Classification: Uncertain significance. Last evaluated: 2023-10-31. Review status: criteria provided, single submitter. Criteria: ACMG Guidelines, 2015. Collection method: clinical testing. Allele origin: germline. Observed: 1 variant allele.
Comment: BP4, PM2_moderate